The following is an entry in ClinVar:

NM_198271.5(LMOD3):c.823G>A (p.Val275Ile)

Gene: LMOD3 (leiomodin 3; minus strand). Cytogenetic location: 3p14.1.
Variant type: single nucleotide variant.
Coding change: c.823G>A on transcript NM_198271.5 (MANE Select); coding-DNA position 823, G replaced by A.
Protein change: p.Val275Ile; replaces valine 275 with isoleucine.
Molecular consequence: missense variant.
Genome position (GRCh38, 1-based): chr3:69,119,532, C>T on the plus strand (G>A on the coding strand, the complement: LMOD3 is on the minus strand). VCF-style: chr3-69119532-C-T. GRCh37 (hg19) VCF-style: chr3-69168683-C-T.
Other names: c.823G>A, p.Val275Ile (NM_001304418.3); short protein forms V275I.
Identifiers: ClinVar variation 1482693 (VCV001482693.8), dbSNP rs777811622, ClinGen allele CA2488915.

ClinVar aggregate classification (germline): Uncertain significance (1 of 4 stars; one submission).

Conditions:
Nemaline myopathy 10 (NEM10). Identifiers: MedGen C4015360, MONDO:0014513, OMIM 616165.

Allele frequency attached by ClinVar (database versions not stated): gnomAD exomes below 0.00001 and 0.00001; ExAC 0.00001; gnomAD 0.00001; TOPMed 0.00001.
gnomAD v4.1: 5 of 1,613,842 alleles (0.00031%); highest among the groups gnomAD compares: Admixed American, 0.0017%; no homozygotes.

Submission:

Labcorp Genetics (formerly Invitae), Labcorp
Classification: Uncertain significance for Nemaline myopathy 10. Last evaluated: 2023-11-27. Review status: criteria provided, single submitter. Criteria: Invitae Variant Classification Sherloc (09022015). Collection method: clinical testing. Allele origin: germline.
Comment: This sequence change replaces valine, which is neutral and non-polar, with isoleucine, which is neutral and non-polar, at codon 275 of the LMOD3 protein (p.Val275Ile). This variant is present in population databases (rs777811622, gnomAD 0.0009%). This variant has not been reported in the literature in individuals affected with LMOD3-related conditions. ClinVar contains an entry for this variant (Variation ID: 1482693). An algorithm developed to predict the effect of missense changes on protein structure and function (PolyPhen-2) suggests that this variant is likely to be disruptive. In summary, the available evidence is currently insufficient to determine the role of this variant in disease. Therefore, it has been classified as a Variant of Uncertain Significance.